The following is an entry in ClinVar:

ClinVar aggregate classification (germline): Uncertain significance. Review status: criteria provided, multiple submitters, no conflicts (2 of 4 stars). 2 submissions from 2 submitters: Uncertain significance (2). Last evaluated 2025-08-08.

Allele frequency attached by ClinVar (database versions not stated): gnomAD 0.00001; TOPMed 0.00001; gnomAD exomes 0.00002; ExAC 0.00002.
gnomAD v4.1: 32 of 1,610,358 alleles (0.002%); highest among the groups gnomAD compares: Middle Eastern, 0.016%; no homozygotes.

Submissions (2):

GeneDx
Classification: Uncertain significance. Last evaluated: 2025-08-08. Review status: criteria provided, single submitter. Criteria: GeneDx Variant Classification Process June 2021. Collection method: clinical testing. Allele origin: germline. Affected: yes.
Comment: Not observed at significant frequency in large population cohorts (gnomAD); In silico analysis supports that this missense variant has a deleterious effect on protein structure/function; Has not been previously published as pathogenic or benign to our knowledge

Labcorp Genetics (formerly Invitae), Labcorp
Classification: Uncertain significance. Last evaluated: 2024-03-11. Review status: criteria provided, single submitter. Criteria: Invitae Variant Classification Sherloc (09022015). Collection method: clinical testing. Allele origin: germline.
Comment: This sequence change replaces arginine, which is basic and polar, with cysteine, which is neutral and slightly polar, at codon 2645 of the LAMA5 protein (p.Arg2645Cys). This variant is present in population databases (rs761291766, gnomAD 0.003%). This variant has not been reported in the literature in individuals affected with LAMA5-related conditions. ClinVar contains an entry for this variant (Variation ID: 2073780). Advanced modeling of protein sequence and biophysical properties (such as structural, functional, and spatial information, amino acid conservation, physicochemical variation, residue mobility, and thermodynamic stability) has been performed at Invitae for this missense variant, however the output from this modeling did not meet the statistical confidence thresholds required to predict the impact of this variant on LAMA5 protein function. In summary, the available evidence is currently insufficient to determine the role of this variant in disease. Therefore, it has been classified as a Variant of Uncertain Significance.

NM_005560.6(LAMA5):c.7933C>T (p.Arg2645Cys)

Gene: LAMA5 (laminin subunit alpha 5; minus strand). Cytogenetic location: 20q13.33.
Variant type: single nucleotide variant.
Coding change: c.7933C>T on transcript NM_005560.6 (MANE Select); coding-DNA position 7933, C replaced by T.
Protein change: p.Arg2645Cys; replaces arginine 2645 with cysteine.
Molecular consequence: missense variant.
Genome position (GRCh38, 1-based): chr20:62,315,142, G>A on the plus strand (C>T on the coding strand, the complement: LAMA5 is on the minus strand). VCF-style: chr20-62315142-G-A. GRCh37 (hg19) VCF-style: chr20-60890198-G-A.
Other names: c.7933C>T (NM_005560.3); short protein forms R2645C.
Identifiers: ClinVar variation 2073780 (VCV002073780.5), dbSNP rs761291766, ClinGen allele CA9940952.